The following is an entry in ClinVar:

ClinVar aggregate classification (germline): Uncertain significance (1 of 4 stars; one submission).

Allele frequency attached by ClinVar (database versions not stated): gnomAD exomes below 0.00001.
gnomAD v4.1: 4 of 1,614,106 alleles (0.00025%); highest among the groups gnomAD compares: Non-Finnish European, 0.00034%; no homozygotes.

Submission:

Labcorp Genetics (formerly Invitae), Labcorp
Classification: Uncertain significance. Last evaluated: 2023-12-11. Review status: criteria provided, single submitter. Criteria: Invitae Variant Classification Sherloc (09022015). Collection method: clinical testing. Allele origin: germline.
Comment: This sequence change replaces histidine, which is basic and polar, with tyrosine, which is neutral and polar, at codon 1612 of the CEP250 protein (p.His1612Tyr). This variant is not present in population databases (gnomAD no frequency). This variant has not been reported in the literature in individuals affected with CEP250-related conditions. ClinVar contains an entry for this variant (Variation ID: 2010382). An algorithm developed to predict the effect of missense changes on protein structure and function (PolyPhen-2) suggests that this variant is likely to be tolerated. In summary, the available evidence is currently insufficient to determine the role of this variant in disease. Therefore, it has been classified as a Variant of Uncertain Significance.

NM_007186.6(CEP250):c.4834C>T (p.His1612Tyr)

Gene: CEP250 (centrosomal protein 250; plus strand). Cytogenetic location: 20q11.22.
Variant type: single nucleotide variant.
Coding change: c.4834C>T on transcript NM_007186.6 (MANE Select); coding-DNA position 4834, C replaced by T.
Protein change: p.His1612Tyr; replaces histidine 1612 with tyrosine.
Molecular consequence: missense variant.
Genome position (GRCh38, 1-based): chr20:35,503,203, C>T. VCF-style: chr20-35503203-C-T. GRCh37 (hg19) VCF-style: chr20-34091031-C-T.
Other names: c.2938C>T, p.His980Tyr (NM_001318219.1); short protein forms H1612Y, H980Y.
Identifiers: ClinVar variation 2010382 (VCV002010382.4), dbSNP rs2516243403, ClinGen allele CA408749765.